The following is an entry in ClinVar:

NM_000052.7(ATP7A):c.1608del (p.Ile537fs)

Gene: ATP7A (ATPase copper transporting alpha; plus strand). Cytogenetic location: Xq21.1.
Variant type: Deletion.
Coding change: c.1608del on transcript NM_000052.7 (MANE Select); coding-DNA position 1608, one base deleted (T; older notation c.1608delT).
Protein change: p.Ile537fs; shifts the reading frame from isoleucine 537.
Molecular consequence: frameshift variant.
Genome position (GRCh38, 1-based): chrX:78,003,137, T deleted; the last of 2 consecutive T bases (chrX:78,003,136-78,003,137); deleting either gives the same sequence. VCF-style (leftmost placement, unchanged base first): chrX-78003135-GT-G. GRCh37 (hg19) VCF-style: chrX-77258632-GT-G.
Other names: c.1608del, p.Ile537fs (NM_001282224.2); short protein forms I537fs.
Identifiers: ClinVar variation 5011604 (VCV005011604.1).

ClinVar aggregate classification (germline): Pathogenic (1 of 4 stars; one submission).

Conditions:
Menkes kinky-hair syndrome (MNK). Also called: Menkes Disease; Classic Menkes Disease; Copper transport disease. Identifiers: Orphanet 565, MedGen C0022716, MONDO:0010651, OMIM 309400.

Submission:

Myriad Genetics, Inc.
Classification: Pathogenic for Menkes kinky-hair syndrome. Last evaluated: 2023-09-08. Review status: criteria provided, single submitter. Criteria: Myriad Autosomal Dominant, Autosomal Recessive and X-Linked Classification Criteria (2023). Collection method: clinical testing. Allele origin: unknown.
Comment: NM_000052.5(ATP7A):c.1608delT(I537Yfs*5) is expected to be pathogenic in the context of ATP7A-related disorders. This variant is predicted to lead to an abnormal or absent protein product due to the creation of a premature termination codon in ATP7A, a gene where loss-of-function variants are known to be pathogenic. Please note: this variant was assessed in the context of healthy population screening.